The following is an entry in ClinVar:

NM_024675.4(PALB2):c.2628T>G (p.Phe876Leu)

Gene: PALB2 (partner and localizer of BRCA2; minus strand). Cytogenetic location: 16p12.2.
Variant type: single nucleotide variant.
Coding change: c.2628T>G on transcript NM_024675.4 (MANE Select); coding-DNA position 2628, T replaced by G.
Protein change: p.Phe876Leu; replaces phenylalanine 876 with leucine.
Molecular consequence: missense variant.
Genome position (GRCh38, 1-based): chr16:23,626,356, A>C on the plus strand (T>G on the coding strand, the complement: PALB2 is on the minus strand). VCF-style: chr16-23626356-A-C. GRCh37 (hg19) VCF-style: chr16-23637677-A-C.
Other names: short protein forms F876L.
Identifiers: ClinVar variation 232145 (VCV000232145.5), dbSNP rs876659584, ClinGen allele CA10579960.

ClinVar aggregate classification (germline): Uncertain significance (1 of 4 stars; one submission).

Conditions:
Hereditary cancer-predisposing syndrome. Also called: Neoplastic Syndromes, Hereditary; Tumor predisposition; Hereditary Cancer Syndrome; Hereditary neoplastic syndrome. Identifiers: Orphanet 140162, MedGen C0027672, MeSH D009386, MONDO:0015356.

Allele frequency attached by ClinVar (database versions not stated): gnomAD exomes below 0.00001.
gnomAD v4.1: 1 of 1,614,226 alleles (0.000062%); highest among the groups gnomAD compares: South Asian, 0.0011%; no homozygotes.

Submission:

Ambry Genetics
Classification: Uncertain significance for Hereditary cancer-predisposing syndrome. Last evaluated: 2015-06-02. Review status: criteria provided, single submitter. Criteria: Ambry Variant Classification Scheme 2023. Collection method: clinical testing. Allele origin: germline.
Comment: The p.F876L variant (also known as c.2628T>G), located in coding exon 7 of the PALB2 gene, results from a T to G substitution at nucleotide position 2628. The phenylalanine at codon 876 is replaced by leucine, an amino acid with highly similar properties. This variant was not reported in population based cohorts in the following databases: Database of Single Nucleotide Polymorphisms (dbSNP), NHLBI Exome Sequencing Project (ESP), and 1000 Genomes Project. In the ESP, this variant was not observed in 6497 samples (12994 alleles) with coverage at this position. To date, this alteration has been detected with an allele frequency of approximately 0.001% (greater than 70000 alleles tested) in our clinical cohort. This amino acid position is poorly conserved in available vertebrate species. In addition, this alteration is predicted to be tolerated by in silico analysis. Since supporting evidence is limited at this time, the clinical significance of p.F876L remains unclear.